The following is an entry in ClinVar:

ClinVar aggregate classification (germline): Uncertain significance (1 of 4 stars; one submission).

Submission:

Labcorp Genetics (formerly Invitae), Labcorp
Classification: Uncertain significance. Last evaluated: 2019-06-19. Review status: criteria provided, single submitter. Criteria: Invitae Variant Classification Sherloc (09022015). Collection method: clinical testing. Allele origin: germline.
Comment: In summary, the available evidence is currently insufficient to determine the role of this variant in disease. Therefore, it has been classified as a Variant of Uncertain Significance. The current clinical and genetic evidence is not sufficient to establish whether loss-of-function variants in SLC1A3 cause disease. Algorithms developed to predict the effect of sequence changes on RNA splicing suggest that this variant may disrupt the consensus splice site, but this prediction has not been confirmed by published transcriptional studies. This variant has not been reported in the literature in individuals with SLC1A3-related conditions. This variant is not present in population databases (ExAC no frequency). This sequence change affects a donor splice site in intron 8 of the SLC1A3 gene. It is expected to disrupt RNA splicing and likely results in an absent or disrupted protein product.

NM_004172.5(SLC1A3):c.1289+1G>A

Genes: SLC1A3 (solute carrier family 1 member 3; plus strand), SLC1A3-AS1 (SLC1A3 antisense RNA 1; minus strand). Cytogenetic location: 5p13.2.
Variant type: single nucleotide variant.
Coding change: c.1289+1G>A on transcript NM_004172.5 (MANE Select); the canonical splice donor site of the intron after coding-DNA position 1289, G replaced by A.
Molecular consequence: splice donor variant.
Genome position (GRCh38, 1-based): chr5:36,680,590, G>A. VCF-style: chr5-36680590-G-A. GRCh37 (hg19) VCF-style: chr5-36680692-G-A.
Other names: c.1289+1G>A (NM_001166695.3); c.953+1G>A (NM_001289940.2); c.1151+1G>A (NM_001289939.2).
Identifiers: ClinVar variation 940727 (VCV000940727.8), dbSNP rs1742399738, ClinGen allele CA359483465.